The following is an entry in ClinVar:

ClinVar aggregate classification (germline): Uncertain significance. Review status: criteria provided, multiple submitters, no conflicts (2 of 4 stars). 2 submissions from 2 submitters: Uncertain significance (2). Last evaluated 2026-01-05.

Conditions:
Charcot-Marie-Tooth disease type 2. Also called: Charcot-Marie-Tooth type 2. Identifiers: Orphanet 64746, MedGen C0270914, MONDO:0018993.
Inborn genetic diseases. Identifiers: MedGen C0950123, MeSH D030342.

Allele frequency attached by ClinVar (database versions not stated): TOPMed 0.00001; ExAC 0.00002.
gnomAD v4.1: 6 of 1,613,954 alleles (0.00037%); highest among the groups gnomAD compares: South Asian, 0.0044%; no homozygotes.

Submissions (2):

Labcorp Genetics (formerly Invitae), Labcorp
Classification: Uncertain significance for Charcot-Marie-Tooth disease type 2. Last evaluated: 2026-01-05. Review status: criteria provided, single submitter. Criteria: Invitae Variant Classification Sherloc (09022015). Collection method: clinical testing. Allele origin: germline.
Comment: This sequence change replaces asparagine, which is neutral and polar, with serine, which is neutral and polar, at codon 488 of the AARS protein (p.Asn488Ser). This variant is present in population databases (rs561147617, gnomAD 0.01%). This variant has not been reported in the literature in individuals affected with AARS-related conditions. ClinVar contains an entry for this variant (Variation ID: 2898115). Invitae Evidence Modeling of protein sequence and biophysical properties (such as structural, functional, and spatial information, amino acid conservation, physicochemical variation, residue mobility, and thermodynamic stability) indicates that this missense variant is not expected to disrupt AARS protein function with a negative predictive value of 95%. In summary, the available evidence is currently insufficient to determine the role of this variant in disease. Therefore, it has been classified as a Variant of Uncertain Significance.

Ambry Genetics
Classification: Uncertain significance for Inborn genetic diseases. Last evaluated: 2024-01-30. Review status: criteria provided, single submitter. Criteria: Ambry Variant Classification Scheme 2023. Collection method: clinical testing. Allele origin: germline.

NM_001605.3(AARS1):c.1463A>G (p.Asn488Ser)

Gene: AARS1 (alanyl-tRNA synthetase 1; minus strand). Cytogenetic location: 16q22.1.
Variant type: single nucleotide variant.
Coding change: c.1463A>G on transcript NM_001605.3 (MANE Select); coding-DNA position 1463, A replaced by G.
Protein change: p.Asn488Ser; replaces asparagine 488 with serine.
Molecular consequence: missense variant.
Genome position (GRCh38, 1-based): chr16:70,264,987, T>C on the plus strand (A>G on the coding strand, the complement: AARS1 is on the minus strand). VCF-style: chr16-70264987-T-C. GRCh37 (hg19) VCF-style: chr16-70298890-T-C.
Other names: short protein forms N488S.
Identifiers: ClinVar variation 2898115 (VCV002898115.4), dbSNP rs561147617, ClinGen allele CA8140809.